The following is an entry in ClinVar:

NM_002519.3(NPAT):c.1255A>G (p.Ile419Val)

Gene: NPAT (nuclear protein, coactivator of histone transcription; minus strand). Cytogenetic location: 11q22.3.
Variant type: single nucleotide variant.
Coding change: c.1255A>G on transcript NM_002519.3 (MANE Select); coding-DNA position 1255, A replaced by G.
Protein change: p.Ile419Val; replaces isoleucine 419 with valine.
Molecular consequence: missense variant.
Genome position (GRCh38, 1-based): chr11:108,173,729, T>C on the plus strand (A>G on the coding strand, the complement: NPAT is on the minus strand). VCF-style: chr11-108173729-T-C. GRCh37 (hg19) VCF-style: chr11-108044456-T-C.
Other names: c.1255A>G, p.Ile419Val (NM_001321307.1); short protein forms I419V.
Identifiers: ClinVar variation 3605872 (VCV003605872.2).

ClinVar aggregate classification (germline): Uncertain significance (1 of 4 stars; one submission).

gnomAD v4.1: 3 of 1,614,172 alleles (0.00019%); highest among the groups gnomAD compares: East Asian, 0.0022%; no homozygotes.

Submission:

Labcorp Genetics (formerly Invitae), Labcorp
Classification: Uncertain significance. Last evaluated: 2024-12-11. Review status: criteria provided, single submitter. Criteria: Invitae Variant Classification Sherloc (09022015). Collection method: clinical testing. Allele origin: germline.
Comment: This sequence change replaces isoleucine, which is neutral and non-polar, with valine, which is neutral and non-polar, at codon 419 of the NPAT protein (p.Ile419Val). This variant is present in population databases (no rsID available, gnomAD 0.003%). This variant has not been reported in the literature in individuals affected with NPAT-related conditions. An algorithm developed to predict the effect of missense changes on protein structure and function outputs the following: PolyPhen-2: "Benign". The valine amino acid residue is found in multiple mammalian species, which suggests that this missense change does not adversely affect protein function. Algorithms developed to predict the effect of sequence changes on RNA splicing suggest that this variant may create or strengthen a splice site. In summary, the available evidence is currently insufficient to determine the role of this variant in disease. Therefore, it has been classified as a Variant of Uncertain Significance.